The following is an entry in ClinVar:

NM_004187.5(KDM5C):c.1391C>T (p.Pro464Leu)

Gene: KDM5C (lysine demethylase 5C; minus strand). Cytogenetic location: Xp11.22.
Variant type: single nucleotide variant.
Coding change: c.1391C>T on transcript NM_004187.5 (MANE Select); coding-DNA position 1391, C replaced by T.
Protein change: p.Pro464Leu; replaces proline 464 with leucine.
Molecular consequence: missense variant. On other transcripts: non-coding transcript variant (3).
Genome position (GRCh38, 1-based): chrX:53,211,507, G>A on the plus strand (C>T on the coding strand, the complement: KDM5C is on the minus strand). VCF-style: chrX-53211507-G-A. GRCh37 (hg19) VCF-style: chrX-53240689-G-A.
Other names: c.1190C>T, p.Pro397Leu (NM_001146702.2); c.1388C>T, p.Pro463Leu (NM_001282622.3, NM_001353979.2, NM_001353982.2); c.1391C>T, p.Pro464Leu (NM_001353978.3, NM_001353981.2, NM_001353984.2); short protein forms P463L, P397L, P464L.
Identifiers: ClinVar variation 5000567 (VCV005000567.1).
Genomic context (GRCh38, chrX:53,211,507, plus strand): 5'-ATTTGCCTAAGCTCACACAGCTGACACGTAACCATGAATCATCCACTCACCTCCTCTTCG[G>A]GGGTTAGGTGCCGTTTACTGTCACTGACAGGGAAACCGCTGCCAAATTCTTTGGAATGGA-3'
Protein context (NP_004178.2, residues 454-474): PVSDSKRHLT[Pro464Leu]EEEEYATSGW

ClinVar aggregate classification (germline): Uncertain significance (1 of 4 stars; one submission).

Conditions:
KDM5C-related disorder. Also called: KDM5C-related condition.

Submission:

PreventionGenetics, part of Exact Sciences
Classification: Uncertain significance for KDM5C-related condition. Last evaluated: 2024-10-22. Review status: criteria provided, single submitter. Criteria: ACMG Guidelines, 2015. Collection method: clinical testing. Allele origin: germline.
Comment: The KDM5C c.1391C>T variant is predicted to result in the amino acid substitution p.Pro464Leu. To our knowledge, this variant has not been reported in the literature or in a large population database (gnomAD), indicating this variant is rare. At this time, the clinical significance of this variant is uncertain due to the absence of conclusive functional and genetic evidence.